The following is an entry in ClinVar:

NM_182476.3(COQ6):c.219G>C (p.Lys73Asn)

Gene: COQ6 (coenzyme Q6, monooxygenase; plus strand). Cytogenetic location: 14q24.3.
Variant type: single nucleotide variant.
Coding change: c.219G>C on transcript NM_182476.3 (MANE Select); coding-DNA position 219, G replaced by C.
Protein change: p.Lys73Asn; replaces lysine 73 with asparagine.
Molecular consequence: missense variant. On other transcripts: 5 prime UTR variant (3).
Genome position (GRCh38, 1-based): chr14:73,953,490, G>C. VCF-style: chr14-73953490-G-C. GRCh37 (hg19) VCF-style: chr14-74420193-G-C.
Other names: p.Lys73Asn; c.219G>C, p.Lys73Asn (NM_001425255.1, NM_001425256.1, NM_001425262.1); c.113G>C, p.Arg38Thr (NM_001425257.1); c.144G>C, p.Lys48Asn (NM_001425258.1, NM_182480.3); c.53G>C, p.Arg18Thr (NM_001425259.1, NM_001425260.1, NM_001425261.1); c.-109G>C (NM_001425263.1); c.-132G>C (NM_001425264.1); c.-191G>C (NM_001425265.1); short protein forms R18T, R38T, K73N, K48N.
Identifiers: ClinVar variation 4541886 (VCV004541886.1).

ClinVar aggregate classification (germline): Uncertain significance (1 of 4 stars; one submission).

Submission:

Mayo Clinic Laboratories, Mayo Clinic
Classification: Uncertain significance. Last evaluated: 2024-12-26. Review status: criteria provided, single submitter. Criteria: ACMG Guidelines, 2015. Collection method: clinical testing. Allele origin: germline. Observed: 1 variant allele.
Comment: BP4, PM2_supporting